The following is an entry in ClinVar:

ClinVar aggregate classification (germline): Likely benign. Review status: criteria provided, multiple submitters, no conflicts (2 of 4 stars). 3 submissions from 3 submitters: Likely benign (3). Last evaluated 2025-10-13.

Conditions:
VWF-related disorder. Also called: VWF-related condition; VWF-related disorders.
Inborn genetic diseases. Identifiers: MedGen C0950123, MeSH D030342.

Allele frequency attached by ClinVar (database versions not stated): gnomAD 0.00006 and 0.00013; gnomAD exomes 0.00018; TOPMed 0.00019; ExAC 0.00020; 1000 Genomes Project 30x 0.00094; 1000 Genomes Project 0.00100.
gnomAD v4.1: 116 of 1,614,022 alleles (0.0072%); highest among the groups gnomAD compares: East Asian, 0.2%; no homozygotes.

Submissions (3):

PreventionGenetics, part of Exact Sciences
Classification: Likely benign for VWF-related condition. Last evaluated: 2025-10-13. Review status: criteria provided, single submitter. Criteria: ACMG Guidelines, 2015. Collection method: clinical testing. Allele origin: germline.
Comment: This variant is classified as likely benign based on ACMG/AMP sequence variant interpretation guidelines (Richards et al. 2015 PMID: 25741868, with internal and published modifications).

Ambry Genetics
Classification: Likely benign for Inborn genetic diseases. Last evaluated: 2025-06-22. Review status: criteria provided, single submitter. Criteria: Ambry Variant Classification Scheme 2023. Collection method: clinical testing. Allele origin: germline.

Women's Health and Genetics/Laboratory Corporation of America, LabCorp
Classification: Likely benign. Last evaluated: 2024-04-24. Review status: criteria provided, single submitter. Criteria: LabCorp Variant Classification Summary - May 2015. Collection method: clinical testing. Allele origin: germline.

NM_000552.5(VWF):c.7800C>T (p.Cys2600=)

Gene: VWF (von Willebrand factor; minus strand). Cytogenetic location: 12p13.31.
Variant type: single nucleotide variant.
Coding change: c.7800C>T on transcript NM_000552.5 (MANE Select); coding-DNA position 7800, C replaced by T.
Protein change: p.Cys2600=; no amino-acid change (cysteine 2600 retained).
Molecular consequence: synonymous variant.
Genome position (GRCh38, 1-based): chr12:5,967,573, G>A on the plus strand (C>T on the coding strand, the complement: VWF is on the minus strand). VCF-style: chr12-5967573-G-A. GRCh37 (hg19) VCF-style: chr12-6076739-G-A.
Other names: c.7800C>T (NM_000552.4).
Identifiers: ClinVar variation 310036 (VCV000310036.15), dbSNP rs200209213, ClinGen allele CA6401508.